The following is an entry in ClinVar:

ClinVar aggregate classification (germline): Uncertain significance (1 of 4 stars; one submission).

Conditions:
Familial hemophagocytic lymphohistiocytosis 3 (FHL3). Also called: UNC13D-Related Familial Hemophagocytic Lymphohistiocytosis (UNC13D-fHLH). Identifiers: Orphanet 540, MedGen C1837174, MONDO:0012146, OMIM 608898.

Allele frequency attached by ClinVar (database versions not stated): gnomAD exomes below 0.00001.

Submission:

Labcorp Genetics (formerly Invitae), Labcorp
Classification: Uncertain significance for Familial hemophagocytic lymphohistiocytosis 3. Last evaluated: 2021-08-19. Review status: criteria provided, single submitter. Criteria: Invitae Variant Classification Sherloc (09022015). Collection method: clinical testing. Allele origin: germline.
Comment: In summary, the available evidence is currently insufficient to determine the role of this variant in disease. Therefore, it has been classified as a Variant of Uncertain Significance. This sequence change replaces aspartic acid with glutamic acid at codon 947 of the UNC13D protein (p.Asp947Glu). The aspartic acid residue is highly conserved and there is a small physicochemical difference between aspartic acid and glutamic acid. This variant is not present in population databases (ExAC no frequency). This variant has not been reported in the literature in individuals affected with UNC13D-related conditions. Algorithms developed to predict the effect of missense changes on protein structure and function are either unavailable or do not agree on the potential impact of this missense change (SIFT: "Not Available"; PolyPhen-2: "Probably Damaging"; Align-GVGD: "Not Available").

NM_199242.3(UNC13D):c.2841C>A (p.Asp947Glu)

Genes: UNC13D (unc-13 homolog D; minus strand), LOC112533672 (Sharpr-MPRA regulatory region 1193; plus strand). Cytogenetic location: 17q25.1.
Variant type: single nucleotide variant.
Coding change: c.2841C>A on transcript NM_199242.3 (MANE Select); coding-DNA position 2841, C replaced by A.
Protein change: p.Asp947Glu; replaces aspartic acid 947 with glutamic acid.
Molecular consequence: missense variant.
Genome position (GRCh38, 1-based): chr17:75,830,141, G>T on the plus strand (C>A on the coding strand, the complement: UNC13D is on the minus strand). VCF-style: chr17-75830141-G-T. GRCh37 (hg19) VCF-style: chr17-73826222-G-T.
Other names: short protein forms D947E.
Identifiers: ClinVar variation 1437801 (VCV001437801.6), dbSNP rs1256102965, ClinGen allele CA401078705.